The following is an entry in ClinVar:

NM_004448.4(ERBB2):c.455G>C (p.Gly152Ala)

Gene: ERBB2 (erb-b2 receptor tyrosine kinase 2; plus strand). Cytogenetic location: 17q12.
Variant type: single nucleotide variant.
Coding change: c.455G>C on transcript NM_004448.4 (MANE Select); coding-DNA position 455, G replaced by C.
Protein change: p.Gly152Ala; replaces glycine 152 with alanine.
Molecular consequence: missense variant. On other transcripts: non-coding transcript variant (1), intron variant (2).
Genome position (GRCh38, 1-based): chr17:39,709,333, G>C. VCF-style: chr17-39709333-G-C. GRCh37 (hg19) VCF-style: chr17-37865586-G-C.
Other names: c.455G>C, p.Gly152Ala (NM_001289937.2, NM_001382784.1, NM_001382785.1 and 17 more transcripts); c.365G>C, p.Gly122Ala (NM_001289938.2, NM_001382782.1, NM_001382783.1 and 1 more transcripts); c.530G>C, p.Gly177Ala (NM_001382787.1); c.440-525G>C (NM_001382799.1); c.74-2595G>C (NM_001382804.1); c.410G>C, p.Gly137Ala (NM_001289936.2); c.446G>C, p.Gly149Ala (NM_001382791.1); short protein forms G177A, G149A, G152A, G122A, G137A.
Identifiers: ClinVar variation 1370308 (VCV001370308.9), dbSNP rs151122410, ClinGen allele CA8533631.

ClinVar aggregate classification (germline): Uncertain significance. Review status: criteria provided, multiple submitters, no conflicts (2 of 4 stars). 2 submissions from 2 submitters: Uncertain significance (2). Last evaluated 2025-10-13.

Conditions:
Glioma susceptibility 1 (GLM1). Also called: Glioblastoma, somatic. Identifiers: MedGen C2750850, MONDO:0024498, OMIM 137800.
Lung cancer. Also called: Lung cancer, somatic; Malignant tumor of lung. Identifiers: MedGen C0242379, MONDO:0008903, OMIM 211980.
Gastric cancer. Also called: Stomach cancer; Malignant tumor of stomach. Identifiers: MedGen C0024623, MeSH D013274, MONDO:0001056, OMIM 613659, HP:0012126.
Visceral neuropathy, familial, 2, autosomal recessive. Identifiers: MedGen C5561950, MONDO:0030399, OMIM 619465.
Ovarian cancer. Also called: OVARIAN CANCER, SOMATIC. Identifiers: Orphanet 213500, MedGen C1140680, MONDO:0008170, OMIM 167000.

Allele frequency attached by ClinVar (database versions not stated): gnomAD exomes 0.00007; ExAC 0.00009; ESP Exome Variant Server 0.00031; gnomAD 0.00031 and 0.00036; TOPMed 0.00034.
gnomAD v4.1: 87 of 1,613,950 alleles (0.0054%); highest among the groups gnomAD compares: African/African-American, 0.1%; no homozygotes.

Submissions (2):

Labcorp Genetics (formerly Invitae), Labcorp
Classification: Uncertain significance. Last evaluated: 2025-10-13. Review status: criteria provided, single submitter. Criteria: Invitae Variant Classification Sherloc (09022015). Collection method: clinical testing. Allele origin: germline.
Comment: This sequence change replaces glycine, which is neutral and non-polar, with alanine, which is neutral and non-polar, at codon 152 of the ERBB2 protein (p.Gly152Ala). This variant is present in population databases (rs151122410, gnomAD 0.1%), and has an allele count higher than expected for a pathogenic variant. This variant has not been reported in the literature in individuals affected with ERBB2-related conditions. ClinVar contains an entry for this variant (Variation ID: 1370308). An algorithm developed to predict the effect of missense changes on protein structure and function (PolyPhen-2) suggests that this variant is likely to be disruptive. In summary, the available evidence is currently insufficient to determine the role of this variant in disease. Therefore, it has been classified as a Variant of Uncertain Significance.

Fulgent Genetics
Classification: Uncertain significance for Glioma susceptibility 1; Ovarian cancer; Lung cancer; Gastric cancer; Visceral neuropathy, familial, 2, autosomal recessive. Last evaluated: 2024-01-23. Review status: criteria provided, single submitter. Criteria: ACMG Guidelines, 2015. Collection method: clinical testing. Allele origin: germline.